The following is an entry in ClinVar:

NM_001378414.1(HDAC4):c.657C>T (p.Ser219=)

Gene: HDAC4 (histone deacetylase 4; minus strand). Cytogenetic location: 2q37.3.
Variant type: single nucleotide variant.
Coding change: c.657C>T on transcript NM_001378414.1 (MANE Select); coding-DNA position 657, C replaced by T.
Protein change: p.Ser219=; no amino-acid change (serine 219 retained).
Molecular consequence: synonymous variant.
Genome position (GRCh38, 1-based): chr2:239,156,728, G>A on the plus strand (C>T on the coding strand, the complement: HDAC4 is on the minus strand). VCF-style: chr2-239156728-G-A. GRCh37 (hg19) VCF-style: chr2-240078424-G-A.
Other names: c.657C>T, p.Ser219= (NM_001378415.1, NM_001378416.1, NM_001378417.1 and 1 more transcripts); c.576C>T, p.Ser192= (NM_001435991.1, NM_001435992.1, NM_001435994.1 and 1 more transcripts); c.513C>T, p.Ser171= (NM_001435993.1); c.642C>T, p.Ser214= (NM_001435996.1).
Identifiers: ClinVar variation 4988893 (VCV004988893.1).
Genomic context (GRCh38, chr2:239,156,728, plus strand): 5'-GAAGTCATCTTTGGCGTCGTACATTCCCAGGACCGGGTGGTTATAGGAGGTCGACACTCC[G>A]CTCTGGGGTGGAGAACTCTGGTCAAGGGAACTGTGCTGCGTTTTCCTGGAGAGAAGGCAA-3'
Protein context (NP_001365343.1, residues 209-229): SSLDQSSPPQ[Ser219=]GVSTSYNHPV

ClinVar aggregate classification (germline): Likely benign (1 of 4 stars; one submission).

Conditions:
HDAC4-related disorder. Also called: HDAC4-related condition.

gnomAD v4.1: 39 of 1,613,988 alleles (0.0024%); highest among the groups gnomAD compares: South Asian, 0.018%; 1 homozygote.

Submission:

PreventionGenetics, part of Exact Sciences
Classification: Likely benign for HDAC4-related condition. Last evaluated: 2025-12-16. Review status: criteria provided, single submitter. Criteria: ACMG Guidelines, 2015. Collection method: clinical testing. Allele origin: germline.
Comment: This variant is classified as likely benign based on ACMG/AMP sequence variant interpretation guidelines (Richards et al. 2015 PMID: 25741868, with internal and published modifications).